The following is an entry in ClinVar:

NM_001276270.2(MBD4):c.42C>T (p.Arg14=)

Genes: MBD4 (methyl-CpG binding domain 4, DNA glycosylase; minus strand), LOC129937550 (ATAC-STARR-seq lymphoblastoid active region 20512; plus strand). Cytogenetic location: 3q21.3.
Variant type: single nucleotide variant.
Coding change: c.42C>T on transcript NM_001276270.2 (MANE Select); coding-DNA position 42, C replaced by T.
Protein change: p.Arg14=; no amino-acid change (arginine 14 retained).
Molecular consequence: synonymous variant.
Genome position (GRCh38, 1-based): chr3:129,439,792, G>A on the plus strand (C>T on the coding strand, the complement: MBD4 is on the minus strand). VCF-style: chr3-129439792-G-A. GRCh37 (hg19) VCF-style: chr3-129158635-G-A.
Other names: c.42C>T, p.Arg14= (NM_001276271.2, NM_001276272.2, NM_001276273.2 and 1 more transcripts).
Identifiers: ClinVar variation 4875920 (VCV004875920.1).
Genomic context (GRCh38, chr3:129,439,792, plus strand): 5'-GAGGTCATTCGGCGGGTCTGGGACTAGGCGCTCACTAGAGGTGACGGTGGGGGCAGCTCC[G>A]CGGTCCCCCAGACTCAGACTCTCCAGCCCAGTCGTGCCCATCGAGCAGGGTCCGGCTGCA-3'
Protein context (NP_001263199.1, residues 4-24): TGLESLSLGD[Arg14=]GAAPTVTSSE

ClinVar aggregate classification (germline): Benign (1 of 4 stars; one submission).

Conditions:
Tumor predisposition syndrome 2 (TPDS2). Also called: MBD4-ASSOCIATED NEOPLASIA SYNDROME; MBD4-Related Tumor Predisposition Syndrome; MBD4-associated neoplasia syndrome (MANS). Identifiers: Orphanet 661526, MedGen C5774186, MONDO:0859267, OMIM 619975.

Submission:

Myriad Genetics, Inc.
Classification: Benign for Tumor predisposition syndrome 2. Last evaluated: 2026-06-09. Review status: criteria provided, single submitter. Criteria: Myriad Autosomal Dominant, Autosomal Recessive and X-Linked Classification Criteria (2023). Collection method: clinical testing. Allele origin: unknown.
Comment: This variant is considered benign. This variant is a silent/synonymous amino acid change and it is not expected to impact splicing.